The following is an entry in ClinVar:

NM_003647.3(DGKE):c.624+4A>T

Gene: DGKE (diacylglycerol kinase epsilon; plus strand). Cytogenetic location: 17q22.
Variant type: single nucleotide variant.
Coding change: c.624+4A>T on transcript NM_003647.3 (MANE Select); 4 bases into the intron after coding-DNA position 624, A replaced by T.
Molecular consequence: intron variant.
Genome position (GRCh38, 1-based): chr17:56,844,182, A>T. VCF-style: chr17-56844182-A-T. GRCh37 (hg19) VCF-style: chr17-54921543-A-T.
Identifiers: ClinVar variation 1700509 (VCV001700509.2), dbSNP rs1907154263, ClinGen allele CA2266993009.

ClinVar aggregate classification (germline): Uncertain significance (1 of 4 stars; one submission).

Allele frequency attached by ClinVar (database versions not stated): TOPMed 0.00001.

Submission:

GeneDx
Classification: Uncertain significance. Last evaluated: 2022-02-04. Review status: criteria provided, single submitter. Criteria: GeneDx Variant Classification Process June 2021. Collection method: clinical testing. Allele origin: germline. Affected: yes.
Comment: Not observed at significant frequency in large population cohorts (gnomAD); Has not been previously published as pathogenic or benign to our knowledge; In-silico analysis is inconclusive as to whether the variant alters gene splicing. In the absence of RNA/functional studies, the actual effect of this sequence change is unknown.